The following is an entry in ClinVar:

NM_000168.6(GLI3):c.288C>T (p.His96=)

Gene: GLI3 (GLI family zinc finger 3; minus strand). Cytogenetic location: 7p14.1.
Variant type: single nucleotide variant.
Coding change: c.288C>T on transcript NM_000168.6 (MANE Select); coding-DNA position 288, C replaced by T.
Protein change: p.His96=; no amino-acid change (histidine 96 retained).
Molecular consequence: synonymous variant.
Genome position (GRCh38, 1-based): chr7:42,148,305, G>A on the plus strand (C>T on the coding strand, the complement: GLI3 is on the minus strand). VCF-style: chr7-42148305-G-A. GRCh37 (hg19) VCF-style: chr7-42187904-G-A.
Identifiers: ClinVar variation 911320 (VCV000911320.37), dbSNP rs200905584, ClinGen allele CA4231259.

ClinVar aggregate classification (germline): Benign/Likely benign. Review status: criteria provided, multiple submitters, no conflicts (2 of 4 stars). 7 submissions from 5 submitters: Benign (4); Likely benign (3). Last evaluated 2025-07-07.

Conditions:
Greig cephalopolysyndactyly syndrome (GCPS). Also called: Greig syndrome; POLYSYNDACTYLY WITH PECULIAR SKULL SHAPE; GLI3-Related Greig Cephalopolysyndactyly Syndrome. Identifiers: Orphanet 380, MedGen C0265306, MONDO:0008287, OMIM 175700.
Pallister-Hall syndrome (PHS). Also called: GLI3-Related Pallister-Hall Syndrome; HYPOTHALAMIC HAMARTOBLASTOMA, HYPOPITUITARISM, IMPERFORATE ANUS, AND POSTAXIAL POLYDACTYLY. Identifiers: Orphanet 672, MedGen C0265220, MONDO:0007804, OMIM 146510.
Polydactyly. Also called: polydactylism. Identifiers: MedGen C0152427, MONDO:0021003, OMIM 603596, HP:0010442.
GLI3-related disorder. Also called: GLI3-related condition; GLI3-related disorders. Identifiers: MedGen CN239292.
Polysyndactyly 4. Also called: Polysyndactyly uncomplicated; Preaxial polydactyly 4. Identifiers: Orphanet 93338, MedGen C1868111, MONDO:0008272, OMIM 174700.
Polydactyly, postaxial, type A1. Identifiers: MedGen C4282400, MONDO:0008266, OMIM 174200.

Allele frequency attached by ClinVar (database versions not stated): ESP Exome Variant Server 0.00008; gnomAD 0.00008 and 0.00009; TOPMed 0.00009; gnomAD exomes 0.00012 and 0.00022; ExAC 0.00018.
gnomAD v4.1: 209 of 1,613,226 alleles (0.013%); highest among the groups gnomAD compares: Non-Finnish European, 0.0052%; no homozygotes.

Submissions (7):

PreventionGenetics, part of Exact Sciences
Classification: Likely benign for GLI3-related condition. Last evaluated: 2025-07-07. Review status: criteria provided, single submitter. Criteria: ACMG Guidelines, 2015. Collection method: clinical testing. Allele origin: germline.
Comment: This variant is classified as likely benign based on ACMG/AMP sequence variant interpretation guidelines (Richards et al. 2015 PMID: 25741868, with internal and published modifications).

Labcorp Genetics (formerly Invitae), Labcorp
Classification: Benign for Pallister-Hall syndrome; Greig cephalopolysyndactyly syndrome. Last evaluated: 2025-06-04. Review status: criteria provided, single submitter. Criteria: Invitae Variant Classification Sherloc (09022015). Collection method: clinical testing. Allele origin: germline.

CeGaT Center for Human Genetics Tuebingen
Classification: Likely benign. Last evaluated: 2023-06-01. Review status: criteria provided, single submitter. Criteria: CeGaT Center For Human Genetics Tuebingen Variant Classification Criteria Version 2. Collection method: clinical testing. Allele origin: germline. Affected: yes. Observed: 1 variant allele.
Comment: GLI3: BP4, BP7

Fulgent Genetics
Classification: Likely benign for Pallister-Hall syndrome; Polydactyly, postaxial, type A1; Polysyndactyly 4; Greig cephalopolysyndactyly syndrome. Last evaluated: 2021-10-30. Review status: criteria provided, single submitter. Criteria: ACMG Guidelines, 2015. Collection method: clinical testing. Allele origin: unknown.

Illumina Laboratory Services, Illumina
Classification: Benign for Polydactyly. Last evaluated: 2018-01-12. Review status: criteria provided, single submitter. Criteria: ICSL Variant Classification Criteria 13 December 2019. Collection method: clinical testing. Allele origin: germline.
Comment: This variant was observed in the ICSL laboratory as part of a predisposition screen in an ostensibly healthy population. It had not been previously curated by ICSL or reported in the Human Gene Mutation Database (HGMD: prior to June 1st, 2018), and was therefore a candidate for classification through an automated scoring system. Utilizing variant allele frequency, disease prevalence and penetrance estimates, and inheritance mode, an automated score was calculated to assess if this variant is too frequent to cause the disease. Based on the score and internal cut-off values, a variant classified as benign is not then subjected to further curation. The score for this variant resulted in a classification of benign for this disease.

Illumina Laboratory Services, Illumina
Classification: Benign for Pallister-Hall syndrome. Last evaluated: 2018-01-12. Review status: criteria provided, single submitter. Criteria: ICSL Variant Classification Criteria 13 December 2019. Collection method: clinical testing. Allele origin: germline.
Comment: the same text as in the submission from Illumina Laboratory Services, Illumina above.

Illumina Laboratory Services, Illumina
Classification: Benign for Greig cephalopolysyndactyly syndrome. Last evaluated: 2018-01-12. Review status: criteria provided, single submitter. Criteria: ICSL Variant Classification Criteria 13 December 2019. Collection method: clinical testing. Allele origin: germline.
Comment: the same text as in the submission from Illumina Laboratory Services, Illumina above.